The following is an entry in ClinVar:

NM_001110556.2(FLNA):c.347G>T (p.Arg116Leu)

Gene: FLNA (filamin A; minus strand). Cytogenetic location: Xq28.
Variant type: single nucleotide variant.
Coding change: c.347G>T on transcript NM_001110556.2 (MANE Select); coding-DNA position 347, G replaced by T.
Protein change: p.Arg116Leu; replaces arginine 116 with leucine.
Molecular consequence: missense variant.
Genome position (GRCh38, 1-based): chrX:154,370,899, C>A on the plus strand (G>T on the coding strand, the complement: FLNA is on the minus strand). VCF-style: chrX-154370899-C-A. GRCh37 (hg19) VCF-style: chrX-153599267-C-A.
Other names: c.347G>T, p.Arg116Leu (NM_001456.4); short protein forms R116L.
Identifiers: ClinVar variation 2943688 (VCV002943688.3), dbSNP rs2522771236, ClinGen allele CA415254246.

ClinVar aggregate classification (germline): Uncertain significance (1 of 4 stars; one submission).

Conditions:
Oto-palato-digital syndrome, type II (OPD2). Also called: FACIOPALATOOSSEOUS SYNDROME; OPD II SYNDROME; Otopalatodigital Syndrome, Type II; Otopalatodigital Syndrome Type 2 (FLNA-OPD2). Identifiers: Orphanet 669, Orphanet 90652, MedGen C1844696, MONDO:0010571, OMIM 304120.
Heterotopia, periventricular, X-linked dominant (PVNH1). Also called: PERIVENTRICULAR NODULAR HETEROTOPIA 1; X-linked periventricular heterotopia; PERIVENTRICULAR NODULAR HETEROTOPIA 4; HETEROTOPIA, PERIVENTRICULAR, 1. Identifiers: Orphanet 2149, Orphanet 82004, MedGen C1848213, MONDO:0010233, OMIM 300049.
Frontometaphyseal dysplasia (FMD1). Identifiers: Orphanet 1826, MedGen C0265293, MONDO:0015942.
Melnick-Needles syndrome (MNS). Also called: MELNICK-NEEDLES OSTEODYSPLASTY; OSTEODYSPLASTY OF MELNICK AND NEEDLES; Melnick-Needles Syndrome (FLNA-MNS). Identifiers: Orphanet 2484, MedGen C0025237, MONDO:0010650, OMIM 309350.

Allele frequency attached by ClinVar (database versions not stated): gnomAD exomes below 0.00001.
gnomAD v4.1: 1 of 1,210,509 alleles (0.000083%); highest among the groups gnomAD compares: Admixed American, 0.0022%; no homozygotes.

Submission:

Labcorp Genetics (formerly Invitae), Labcorp
Classification: Uncertain significance for Oto-palato-digital syndrome, type II; Heterotopia, periventricular, X-linked dominant; Frontometaphyseal dysplasia; Melnick-Needles syndrome. Last evaluated: 2025-01-30. Review status: criteria provided, single submitter. Criteria: Invitae Variant Classification Sherloc (09022015). Collection method: clinical testing. Allele origin: germline.
Comment: This sequence change replaces arginine, which is basic and polar, with leucine, which is neutral and non-polar, at codon 116 of the FLNA protein (p.Arg116Leu). This variant is not present in population databases (gnomAD no frequency). This variant has not been reported in the literature in individuals affected with FLNA-related conditions. ClinVar contains an entry for this variant (Variation ID: 2943688). Invitae Evidence Modeling of protein sequence and biophysical properties (such as structural, functional, and spatial information, amino acid conservation, physicochemical variation, residue mobility, and thermodynamic stability) indicates that this missense variant is not expected to disrupt FLNA protein function with a negative predictive value of 95%. In summary, the available evidence is currently insufficient to determine the role of this variant in disease. Therefore, it has been classified as a Variant of Uncertain Significance.